The following is an entry in ClinVar:

ClinVar aggregate classification (germline): Uncertain significance (1 of 4 stars; one submission).

Submission:

Ambry Genetics
Classification: Uncertain significance. Last evaluated: 2025-02-18. Review status: criteria provided, single submitter. Criteria: Ambry Variant Classification Scheme 2023. Collection method: clinical testing. Allele origin: germline.
Comment: The p.R179T variant (also known as c.536G>C), located in coding exon 2 of the PALLD gene, results from a G to C substitution at nucleotide position 536. The arginine at codon 179 is replaced by threonine, an amino acid with similar properties. This amino acid position is conserved. In addition, this alteration is predicted to be deleterious by in silico analysis. Based on the available evidence, the clinical significance of this variant remains unclear.

NM_001166108.2(PALLD):c.1997G>C (p.Arg666Thr)

Gene: PALLD (palladin, cytoskeletal associated protein; plus strand). Cytogenetic location: 4q32.3.
Variant type: single nucleotide variant.
Coding change: c.1997G>C on transcript NM_001166108.2 (MANE Select); coding-DNA position 1997, G replaced by C.
Protein change: p.Arg666Thr; replaces arginine 666 with threonine.
Molecular consequence: missense variant. On other transcripts: 5 prime UTR variant (4).
Genome position (GRCh38, 1-based): chr4:168,890,954, G>C. VCF-style: chr4-168890954-G-C. GRCh37 (hg19) VCF-style: chr4-169812105-G-C.
Other names: c.851G>C, p.Arg284Thr (NM_001166109.2); c.536G>C, p.Arg179Thr (NM_001166110.2); c.-125G>C (NM_001367567.1, NM_001367568.1, NM_001367569.1 and 1 more transcripts); c.1997G>C, p.Arg666Thr (NM_016081.4); short protein forms R666T, R179T, R284T.
Identifiers: ClinVar variation 3885349 (VCV003885349.1).
Genomic context (GRCh38, chr4:168,890,954, plus strand): 5'-TATACTGCCTTGTGTTTTTATCCTGCAGAGGATTTCCAAAGAAGGCCAGTAGAACTGCTA[G>C]AATAGCCTCCGATGAGGAAATTCAAGGCACAAAGGATGCTGTTATTCAAGACCTGGAACG-3'
Protein context (NP_001159580.1, residues 656-676): GFPKKASRTA[Arg666Thr]IASDEEIQGT